The following is an entry in ClinVar:

ClinVar aggregate classification (germline): Likely benign (1 of 4 stars; one submission).

Allele frequency attached by ClinVar (database versions not stated): 1000 Genomes Project 0.00240; 1000 Genomes Project 30x 0.00250; ExAC 0.00532; gnomAD 0.00555; TOPMed 0.00642; ESP Exome Variant Server 0.00792; gnomAD exomes 0.00919.
gnomAD v4.1: 14,220 of 1,614,220 alleles (0.88%); highest among the groups gnomAD compares: Non-Finnish European, 1.1%; 85 homozygotes.

Submission:

CeGaT Center for Human Genetics Tuebingen
Classification: Likely benign. Last evaluated: 2023-04-01. Review status: criteria provided, single submitter. Criteria: CeGaT Center For Human Genetics Tuebingen Variant Classification Criteria Version 2. Collection method: clinical testing. Allele origin: germline. Affected: yes. Observed: 2 variant alleles.
Comment: TUBB6: BP4, BP7, BS2

NM_032525.3(TUBB6):c.582G>A (p.Glu194=)

Gene: TUBB6 (tubulin beta 6 class V; plus strand). Cytogenetic location: 18p11.21.
Variant type: single nucleotide variant.
Coding change: c.582G>A on transcript NM_032525.3 (MANE Select); coding-DNA position 582, G replaced by A.
Protein change: p.Glu194=; no amino-acid change (glutamic acid 194 retained).
Molecular consequence: synonymous variant. On other transcripts: intron variant (1).
Genome position (GRCh38, 1-based): chr18:12,325,371, G>A. VCF-style: chr18-12325371-G-A. GRCh37 (hg19) VCF-style: chr18-12325370-G-A.
Other names: c.582G>A, p.Glu194= (NM_001303524.1); c.471G>A, p.Glu157= (NM_001303526.2); c.366G>A, p.Glu122= (NM_001303527.2); c.387G>A, p.Glu129= (NM_001303528.2); c.144G>A, p.Glu48= (NM_001303529.3, NM_001303530.3); c.278-3775G>A (NM_001303525.2).
Identifiers: ClinVar variation 2648594 (VCV002648594.24), dbSNP rs113607226, ClinGen allele CA8896055.
Genomic context (GRCh38, chr18:12,325,371, plus strand): 5'-GGTGTCGGACACGGTGGTGGAGCCCTACAATGCCACACTGTCGGTGCACCAGCTGGTGGA[G>A]AATACAGACGAGACCTACTGCATCGACAACGAGGCGCTCTATGACATCTGCTTCCGCACT-3'
Protein context (NP_115914.1, residues 184-204): NATLSVHQLV[Glu194=]NTDETYCIDN